The following is an entry in ClinVar:

ClinVar aggregate classification (germline): Conflicting classifications of pathogenicity. Review status: criteria provided, conflicting classifications (1 of 4 stars). 6 submissions from 6 submitters: Uncertain significance (3); Likely benign (3). Last evaluated 2026-01-28.

Conditions:
Inborn genetic diseases. Identifiers: MedGen C0950123, MeSH D030342.
Combined immunodeficiency due to DOCK8 deficiency (HIES2). Also called: HYPER-IgE SYNDROME 2, AUTOSOMAL RECESSIVE, WITH RECURRENT INFECTIONS; HIES autosomal recessive; Hyper-IgE recurrent infection syndrome, autosomal recessive; HYPER-IgE RECURRENT INFECTION SYNDROME 2, AUTOSOMAL RECESSIVE; DOCK8 Deficiency. Identifiers: Orphanet 217390, MedGen C4722305, MONDO:0009478, OMIM 243700.

Allele frequency attached by ClinVar (database versions not stated): ESP Exome Variant Server 0.00023; gnomAD 0.00055 and 0.00056; 1000 Genomes Project 30x 0.00062; TOPMed 0.00066; 1000 Genomes Project 0.00080; ExAC 0.00092; gnomAD exomes 0.00095.
gnomAD v4.1: 565 of 1,614,204 alleles (0.035%); highest among the groups gnomAD compares: Admixed American, 0.3%; 1 homozygote.

Submissions (6):

Labcorp Genetics (formerly Invitae), Labcorp
Classification: Likely benign for Combined immunodeficiency due to DOCK8 deficiency. Last evaluated: 2026-01-28. Review status: criteria provided, single submitter. Criteria: Invitae Variant Classification Sherloc (09022015). Collection method: clinical testing. Allele origin: germline.

Blueprint Genetics
Classification: Uncertain significance. Last evaluated: 2024-11-18. Review status: criteria provided, single submitter. Criteria: ACMG Guidelines, 2015. Collection method: clinical testing. Allele origin: germline.

Women's Health and Genetics/Laboratory Corporation of America, LabCorp
Classification: Likely benign. Last evaluated: 2024-09-30. Review status: criteria provided, single submitter. Criteria: LabCorp Variant Classification Summary - May 2015. Collection method: clinical testing. Allele origin: germline.
Comment: Variant summary: DOCK8 c.986C>T (p.Ala329Val) results in a non-conservative amino acid change in the encoded protein sequence. Four of five in-silico tools predict a damaging effect of the variant on protein function. The variant allele was found at a frequency of 0.00095 in 251306 control chromosomes, predominantly at a frequency of 0.0032 within the Latino subpopulation in the gnomAD database. The observed variant frequency within Latino control individuals in the gnomAD database exceeds the estimated maximal expected allele frequency for a pathogenic variant in DOCK8 causing Combined Immunodeficiency Due To DOCK8 Deficiency phenotype. c.986C>T has been reported in the literature in at least one homozygous individual affected with Combined Immunodeficiency Due To DOCK8 Deficiency (Similuk_2022). These report(s) do not provide unequivocal conclusions about association of the variant with Combined Immunodeficiency Due To DOCK8 Deficiency. To our knowledge, no experimental evidence demonstrating an impact on protein function has been reported. The following publication havs been ascertained in the context of this evaluation (PMID: 35753512). ClinVar contains an entry for this variant (Variation ID: 520802). Based on the evidence outlined above, the variant was classified as likely benign.

GeneDx
Classification: Uncertain significance. Last evaluated: 2020-07-27. Review status: criteria provided, single submitter. Criteria: GeneDx Variant Classification Process June 2021. Collection method: clinical testing. Allele origin: germline. Affected: yes.
Comment: In silico analysis supports that this missense variant has a deleterious effect on protein structure/function; In addition, in silico analysis supports a deleterious effect on splicing. In the absence of RNA/functional studies, the actual effect of this sequence change is unknown.; Has not been previously published as pathogenic or benign to our knowledge; This variant is associated with the following publications: (PMID: 14722525, 19776401, 20004785, 22085750, 25724123, 18060736)

Illumina Laboratory Services, Illumina
Classification: Likely benign for Combined immunodeficiency due to DOCK8 deficiency. Last evaluated: 2018-01-13. Review status: criteria provided, single submitter. Criteria: ICSL Variant Classification Criteria 13 December 2019. Collection method: clinical testing. Allele origin: germline.
Comment: This variant was observed in the ICSL laboratory as part of a predisposition screen in an ostensibly healthy population. It had not been previously curated by ICSL or reported in the Human Gene Mutation Database (HGMD: prior to June 1st, 2018), and was therefore a candidate for classification through an automated scoring system. Utilizing variant allele frequency, disease prevalence and penetrance estimates, and inheritance mode, an automated score was calculated to assess if this variant is too frequent to cause the disease. Based on the score and internal cut-off values, a variant classified as likely benign is not then subjected to further curation. The score for this variant resulted in a classification of likely benign for this disease.

Ambry Genetics
Classification: Uncertain significance for Inborn genetic diseases. Last evaluated: 2015-10-28. Review status: criteria provided, single submitter. Criteria: Ambry exome assertion method (8-5-2015). Collection method: clinical testing. Allele origin: germline. Affected: yes. Observed: 1 variant allele.

Literature cited by the submitters: PubMed 35753512 (cited by Women's Health and Genetics/Laboratory Corporation of America, LabCorp).

NM_203447.4(DOCK8):c.986C>T (p.Ala329Val)

Gene: DOCK8 (dedicator of cytokinesis 8; plus strand). Cytogenetic location: 9p24.3.
Variant type: single nucleotide variant.
Coding change: c.986C>T on transcript NM_203447.4 (MANE Select); coding-DNA position 986, C replaced by T.
Protein change: p.Ala329Val; replaces alanine 329 with valine.
Molecular consequence: missense variant.
Genome position (GRCh38, 1-based): chr9:328,113, C>T. VCF-style: chr9-328113-C-T. GRCh37 (hg19) VCF-style: chr9-328113-C-T.
Other names: c.782C>T, p.Ala261Val (NM_001190458.2, NM_001193536.2); short protein forms A329V, A261V.
Identifiers: ClinVar variation 520802 (VCV000520802.23), dbSNP rs75352090, ClinGen allele CA4957552.